The following is an entry in ClinVar:

NM_005529.7(HSPG2):c.2434C>T (p.Arg812Trp)

Gene: HSPG2 (heparan sulfate proteoglycan 2; minus strand). Cytogenetic location: 1p36.12.
Variant type: single nucleotide variant.
Coding change: c.2434C>T on transcript NM_005529.7 (MANE Select); coding-DNA position 2434, C replaced by T.
Protein change: p.Arg812Trp; replaces arginine 812 with tryptophan.
Molecular consequence: missense variant.
Genome position (GRCh38, 1-based): chr1:21,879,031, G>A on the plus strand (C>T on the coding strand, the complement: HSPG2 is on the minus strand). VCF-style: chr1-21879031-G-A. GRCh37 (hg19) VCF-style: chr1-22205524-G-A.
Other names: c.2437C>T, p.Arg813Trp (NM_001291860.2); c.2434C>T (NM_005529.5); short protein forms R813W, R812W.
Identifiers: ClinVar variation 1440556 (VCV001440556.18), dbSNP rs373479774, ClinGen allele CA673074.

ClinVar aggregate classification (germline): Uncertain significance. Review status: criteria provided, multiple submitters, no conflicts (2 of 4 stars). 3 submissions from 3 submitters: Uncertain significance (3). Last evaluated 2025-06-01.

Conditions:
Inborn genetic diseases. Identifiers: MedGen C0950123, MeSH D030342.

Allele frequency attached by ClinVar (database versions not stated): ExAC 0.00003; TOPMed 0.00003; gnomAD 0.00004; gnomAD exomes 0.00004; ESP Exome Variant Server 0.00008.
gnomAD v4.1: 65 of 1,614,056 alleles (0.004%); highest among the groups gnomAD compares: South Asian, 0.0055%; no homozygotes.

Submissions (3):

CeGaT Center for Human Genetics Tuebingen
Classification: Uncertain significance. Last evaluated: 2025-06-01. Review status: criteria provided, single submitter. Criteria: CeGaT Center For Human Genetics Tuebingen Variant Classification Criteria Version 2. Collection method: clinical testing. Allele origin: germline. Affected: yes. Observed: 1 variant allele.
Comment: HSPG2: PM2

Labcorp Genetics (formerly Invitae), Labcorp
Classification: Uncertain significance. Last evaluated: 2024-12-16. Review status: criteria provided, single submitter. Criteria: Invitae Variant Classification Sherloc (09022015). Collection method: clinical testing. Allele origin: germline.
Comment: This sequence change replaces arginine, which is basic and polar, with tryptophan, which is neutral and slightly polar, at codon 812 of the HSPG2 protein (p.Arg812Trp). This variant is present in population databases (rs373479774, gnomAD 0.01%), including at least one homozygous and/or hemizygous individual. This variant has not been reported in the literature in individuals affected with HSPG2-related conditions. ClinVar contains an entry for this variant (Variation ID: 1440556). An algorithm developed to predict the effect of missense changes on protein structure and function (PolyPhen-2) suggests that this variant is likely to be disruptive. In summary, the available evidence is currently insufficient to determine the role of this variant in disease. Therefore, it has been classified as a Variant of Uncertain Significance.

Ambry Genetics
Classification: Uncertain significance for Inborn genetic diseases. Last evaluated: 2021-08-13. Review status: criteria provided, single submitter. Criteria: Ambry Variant Classification Scheme 2023. Collection method: clinical testing. Allele origin: germline.